The following is an entry in ClinVar:

NM_015338.6(ASXL1):c.2003G>A (p.Gly668Asp)

Gene: ASXL1 (ASXL transcriptional regulator 1; plus strand). Cytogenetic location: 20q11.21.
Variant type: single nucleotide variant.
Coding change: c.2003G>A on transcript NM_015338.6 (MANE Select); coding-DNA position 2003, G replaced by A.
Protein change: p.Gly668Asp; replaces glycine 668 with aspartic acid.
Molecular consequence: missense variant.
Genome position (GRCh38, 1-based): chr20:32,434,715, G>A. VCF-style: chr20-32434715-G-A. GRCh37 (hg19) VCF-style: chr20-31022518-G-A.
Other names: c.1820G>A, p.Gly607Asp (NM_001363734.1); short protein forms G668D, G607D.
Identifiers: ClinVar variation 3955178 (VCV003955178.1).

ClinVar aggregate classification (germline): Uncertain significance (1 of 4 stars; one submission).

Conditions:
Inborn genetic diseases. Identifiers: MedGen C0950123, MeSH D030342.

gnomAD v4.1: 3 of 1,610,636 alleles (0.00019%); highest among the groups gnomAD compares: East Asian, 0.0022%; no homozygotes.

Submission:

Ambry Genetics
Classification: Uncertain significance for Inborn genetic diseases. Last evaluated: 2025-03-25. Review status: criteria provided, single submitter. Criteria: Ambry Variant Classification Scheme 2023. Collection method: clinical testing. Allele origin: germline.
Comment: The p.G668D variant (also known as c.2003G>A), located in coding exon 13 of the ASXL1 gene, results from a G to A substitution at nucleotide position 2003. The glycine at codon 668 is replaced by aspartic acid, an amino acid with similar properties. This amino acid position is conserved. In addition, the in silico prediction for this alteration is inconclusive. Based on the available evidence, the clinical significance of this variant remains unclear.